The following is an entry in ClinVar:

ClinVar aggregate classification (germline): Pathogenic/Likely pathogenic. Review status: criteria provided, multiple submitters, no conflicts (2 of 4 stars). 3 submissions from 3 submitters: Pathogenic (1); Likely pathogenic (1). 1 of the submissions does not count toward it. Last evaluated 2025-07-20.

Conditions:
TMC6-related disorder. Also called: TMC6-related condition.
Epidermodysplasia verruciformis. Identifiers: Orphanet 302, MedGen C0014522, MONDO:0009176.
Epidermodysplasia verruciformis, susceptibility to, 1. Identifiers: Orphanet 302, MedGen C4722564, MONDO:0100045, OMIM 226400.

Allele frequency attached by ClinVar (database versions not stated): ExAC 0.00001; gnomAD exomes 0.00001; gnomAD 0.00003; TOPMed 0.00010.
gnomAD v4.1: 42 of 1,609,748 alleles (0.0026%); highest among the groups gnomAD compares: East Asian, 0.018%; no homozygotes.

Submissions (3):

Labcorp Genetics (formerly Invitae), Labcorp
Classification: Pathogenic for Epidermodysplasia verruciformis. Last evaluated: 2025-07-20. Review status: criteria provided, single submitter. Criteria: Invitae Variant Classification Sherloc (09022015). Collection method: clinical testing. Allele origin: germline.
Comment: This sequence change creates a premature translational stop signal (p.Tyr248*) in the TMC6 gene. It is expected to result in an absent or disrupted protein product. Loss-of-function variants in TMC6 are known to be pathogenic (PMID: 15042430, 17139267). This variant is present in population databases (rs121908329, gnomAD 0.003%). This premature translational stop signal has been observed in individual(s) with epidermodysplasia verruciformis (PMID: 15042430). ClinVar contains an entry for this variant (Variation ID: 4750). For these reasons, this variant has been classified as Pathogenic.

PreventionGenetics, part of Exact Sciences
Classification: Likely pathogenic for TMC6-related condition. Last evaluated: 2025-01-15. Review status: criteria provided, single submitter. Criteria: ACMG Guidelines, 2015. Collection method: clinical testing. Allele origin: germline.
Comment: The TMC6 c.744C>A variant is predicted to result in premature protein termination (p.Tyr248*). This variant has been reported in the compound heterozygous state in an individual with epidermodysplasia verruciformis (Tate et al. 2004. PubMed ID: 15042430; Gober et al. 2006. PubMed ID: 17139267). This variant is reported in 0.0033% of alleles in individuals of South Asian descent in gnomAD. Nonsense variants in TMC6 are expected to be pathogenic. This variant is interpreted as likely pathogenic.

OMIM
Classification: risk factor for EPIDERMODYSPLASIA VERRUCIFORMIS, SUSCEPTIBILITY TO, 1. Last evaluated: 2004-01-01. Review status: no assertion criteria provided. Collection method: literature only. Allele origin: germline. Not counted in ClinVar's aggregate classification.

Literature cited by the submitters: PubMed 15042430 (cited by Labcorp Genetics (formerly Invitae), Labcorp and OMIM); PubMed 17139267 (cited by Labcorp Genetics (formerly Invitae), Labcorp).

NM_001127198.5(TMC6):c.744C>A (p.Tyr248Ter)

Gene: TMC6 (transmembrane channel like 6; minus strand). Cytogenetic location: 17q25.3.
Variant type: single nucleotide variant.
Coding change: c.744C>A on transcript NM_001127198.5 (MANE Select); coding-DNA position 744, C replaced by A.
Protein change: p.Tyr248Ter; replaces tyrosine 248 with a stop codon.
Molecular consequence: nonsense. On other transcripts: non-coding transcript variant (4).
Genome position (GRCh38, 1-based): chr17:78,124,671, G>T on the plus strand (C>A on the coding strand, the complement: TMC6 is on the minus strand). VCF-style: chr17-78124671-G-T. GRCh37 (hg19) VCF-style: chr17-76120752-G-T.
Other names: c.744C>A, p.Tyr248Ter (NM_001375354.1, NM_007267.7, NM_001321185.1 and 4 more transcripts); short protein forms Y248*.
Identifiers: ClinVar variation 4750 (VCV000004750.10), dbSNP rs121908329, ClinGen allele CA117056.